The following is an entry in ClinVar:

ClinVar aggregate classification (germline): Conflicting classifications of pathogenicity. Review status: criteria provided, conflicting classifications (1 of 4 stars). 4 submissions from 3 submitters: Pathogenic (1); Uncertain significance (2). 1 of the submissions does not count toward it. Last evaluated 2024-01-19.

Conditions:
Leber congenital amaurosis 13 (LCA13). Identifiers: MedGen C2675186, MONDO:0012990, OMIM 612712.
RDH12-related disorder. Also called: RDH12-related condition; RDH12-related disorders.
Macular dystrophy. Identifiers: MedGen C0730292, HP:0007754.

Allele frequency attached by ClinVar (database versions not stated): TOPMed 0.00002; gnomAD 0.00003.
gnomAD v4.1: 7 of 1,597,314 alleles (0.00044%); highest among the groups gnomAD compares: African/African-American, 0.004%; no homozygotes.

Submissions (4):

Labcorp Genetics (formerly Invitae), Labcorp
Classification: Uncertain significance for Leber congenital amaurosis 13. Last evaluated: 2024-01-19. Review status: criteria provided, single submitter. Criteria: Invitae Variant Classification Sherloc (09022015). Collection method: clinical testing. Allele origin: germline.
Comment: This sequence change replaces phenylalanine, which is neutral and non-polar, with valine, which is neutral and non-polar, at codon 282 of the RDH12 protein (p.Phe282Val). This variant is present in population databases (rs756887056, gnomAD 0.004%). This missense change has been observed in individual(s) with macular dystrophy (PMID: 25412400). ClinVar contains an entry for this variant (Variation ID: 805922). Advanced modeling of protein sequence and biophysical properties (such as structural, functional, and spatial information, amino acid conservation, physicochemical variation, residue mobility, and thermodynamic stability) performed at Invitae indicates that this missense variant is not expected to disrupt RDH12 protein function with a negative predictive value of 80%. Algorithms developed to predict the effect of sequence changes on RNA splicing suggest that this variant may create or strengthen a splice site. In summary, the available evidence is currently insufficient to determine the role of this variant in disease. Therefore, it has been classified as a Variant of Uncertain Significance.

Ocular Genomics Institute, Massachusetts Eye and Ear
Classification: Uncertain significance for Leber congenital amaurosis 13. Last evaluated: 2021-04-08. Review status: criteria provided, single submitter. Criteria: ACMG Guidelines, 2015. Collection method: research. Allele origin: germline. Affected: yes.
Comment: Through a review of available evidence we were able to apply the following criteria: PM2, PP3, PM3-P. Based on this evidence we have classified this variant as Variant of Uncertain Significance.

Blueprint Genetics
Classification: Pathogenic for RDH12-related disorders. Last evaluated: 2019-11-25. Review status: criteria provided, single submitter. Criteria: ACMG Guidelines, 2015. Collection method: clinical testing. Allele origin: germline. Affected: yes. Observed: 2 variant alleles.

Ocular Genomics Institute, Massachusetts Eye and Ear
Classification: Likely pathogenic for Macular dystrophy. Last evaluated: 2019-08-01. Review status: no assertion criteria provided. Collection method: clinical testing. Allele origin: germline. Affected: yes. Observed: 1 variant allele. Not counted in ClinVar's aggregate classification.

Literature cited by the submitters: PubMed 25412400 (cited by Labcorp Genetics (formerly Invitae), Labcorp and Ocular Genomics Institute, Massachusetts Eye and Ear).

NM_152443.3(RDH12):c.844T>G (p.Phe282Val)

Genes: GPHN (gephyrin; plus strand), RDH12 (retinol dehydrogenase 12; plus strand), ZFYVE26 (zinc finger FYVE-type containing 26; minus strand). Cytogenetic location: 14q24.1.
Variant type: single nucleotide variant.
Coding change: c.844T>G on transcript NM_152443.3 (MANE Select); coding-DNA position 844, T replaced by G.
Protein change: p.Phe282Val; replaces phenylalanine 282 with valine.
Molecular consequence: missense variant.
Genome position (GRCh38, 1-based): chr14:67,729,376, T>G. VCF-style: chr14-67729376-T-G. GRCh37 (hg19) VCF-style: chr14-68196093-T-G.
Other names: short protein forms F282V.
Identifiers: ClinVar variation 805922 (VCV000805922.11), dbSNP rs756887056, ClinGen allele CA7238826.
Genomic context (GRCh38, chr14:67,729,376, plus strand): 5'-GCGCAGACCAGCCTGCACTGCGCCCTGGCTGAGGGCCTGGAGCCCCTGAGTGGCAAGTAC[T>G]TCAGGTGTGTGAAGGCAATGCGGTTCTCTCCACCACCTGTGTGCATGGGAGGTGCCGGAC-3'
Protein context (NP_689656.2, residues 272-292): EGLEPLSGKY[Phe282Val]SDCKRTWVSP